The following is an entry in ClinVar:

ClinVar aggregate classification (germline): Pathogenic (1 of 4 stars; one submission).

Conditions:
Primary ciliary dyskinesia 3. Identifiers: Orphanet 244, MedGen C1837618, MONDO:0012085, OMIM 608644.

Submission:

Myriad Genetics, Inc.
Classification: Pathogenic for Primary ciliary dyskinesia 3. Last evaluated: 2024-04-24. Review status: criteria provided, single submitter. Criteria: Myriad Autosomal Dominant, Autosomal Recessive and X-Linked Classification Criteria (2023). Collection method: clinical testing. Allele origin: unknown.
Comment: NM_001369.2(DNAH5):c.8504_8505delCA(T2835Sfs*4) is expected to be pathogenic in the context of primary ciliary dyskinesia, DNAH5-related. This variant is predicted to lead to an abnormal or absent protein product due to the creation of a premature termination codon in DNAH5, a gene where loss-of-function variants are known to be pathogenic. Please note: this variant was assessed in the context of healthy population screening.

NM_001369.3(DNAH5):c.8504_8505del (p.Thr2835fs)

Gene: DNAH5 (dynein axonemal heavy chain 5; minus strand). Cytogenetic location: 5p15.2.
Variant type: Microsatellite.
Coding change: c.8504_8505del on transcript NM_001369.3 (MANE Select); coding-DNA positions 8504 to 8505, 2 bases deleted (CA; older notation c.8504_8505delCA).
Protein change: p.Thr2835fs; shifts the reading frame from threonine 2835.
Molecular consequence: frameshift variant.
Genome position (GRCh38, 1-based): chr5:13,788,858-13,788,859, TG deleted on the plus strand (CA on the coding strand, the reverse complement: DNAH5 is on the minus strand); deleting any 2 consecutive bases within chr5:13,788,858-13,788,861 gives the same sequence; the c. name uses the placement nearest the transcript's 3' end. VCF-style (leftmost placement, unchanged base first): chr5-13788857-CTG-C. GRCh37 (hg19) VCF-style: chr5-13788966-CTG-C.
Other names: short protein forms T2835fs.
Identifiers: ClinVar variation 5012959 (VCV005012959.1).
Genomic context (GRCh38, chr5:13,788,857, plus strand): 5'-CAAACTCCTCCTCTACCAAACTTACTAAAGCCTTATCAAACCAGGTCACATCACTGGACA[CTG>C]TGAAACGGTCAGCTATAACACGTTTACACTCATGCTTCCACAGCTTTAACAGATCCTGTT-3'